The following is an entry in ClinVar:

ClinVar aggregate classification (germline): Uncertain significance (1 of 4 stars; one submission).

gnomAD v4.1: 1 of 1,612,690 alleles (0.000062%); highest among the groups gnomAD compares: African/African-American, 0.0013%; no homozygotes.

Submission:

Ambry Genetics
Classification: Uncertain significance. Last evaluated: 2022-01-26. Review status: criteria provided, single submitter. Criteria: Ambry Variant Classification Scheme 2023. Collection method: clinical testing. Allele origin: germline.
Comment: The p.L309R variant (also known as c.926T>G), located in coding exon 6 of the POLQ gene, results from a T to G substitution at nucleotide position 926. The leucine at codon 309 is replaced by arginine, an amino acid with dissimilar properties. This amino acid position is conserved. In addition, the in silico prediction for this alteration is inconclusive. Since supporting evidence is limited at this time, the clinical significance of this alteration remains unclear.

NM_199420.4(POLQ):c.926T>G (p.Leu309Arg)

Gene: POLQ (DNA polymerase theta; minus strand). Cytogenetic location: 3q13.33.
Variant type: single nucleotide variant.
Coding change: c.926T>G on transcript NM_199420.4 (MANE Select); coding-DNA position 926, T replaced by G.
Protein change: p.Leu309Arg; replaces leucine 309 with arginine.
Molecular consequence: missense variant.
Genome position (GRCh38, 1-based): chr3:121,533,024, A>C on the plus strand (T>G on the coding strand, the complement: POLQ is on the minus strand). VCF-style: chr3-121533024-A-C. GRCh37 (hg19) VCF-style: chr3-121251871-A-C.
Other names: short protein forms L309R.
Identifiers: ClinVar variation 1766397 (VCV001766397.2), dbSNP rs1335819231, ClinGen allele CA354125897.